The following is an entry in ClinVar:

Conditions:
Arteriohepatic dysplasia. Also called: Alagille Syndrome. Identifiers: Orphanet 52, MedGen C0085280, MeSH D016738, MONDO:0007318.

Submission:

Gilbert/Spinner Lab, Children's Hospital of Philadelphia
No classification provided (evidence only). Condition: Alagille syndrome. Review status: no classification provided. Collection method: research. Allele origin: not applicable. Functional consequence: functionally_abnormal.
ClinVar note: "not provided" was previously submitted as the classification for the variant. However, the classification appeared to be based only on an observation of functional data so it was converted to no classification on 2025-07-30.

NM_000214.3(JAG1):c.276C>G (p.Cys92Trp)

Gene: JAG1 (jagged canonical Notch ligand 1; minus strand). Cytogenetic location: 20p12.2.
Variant type: single nucleotide variant.
Coding change: c.276C>G on transcript NM_000214.3 (MANE Select); coding-DNA position 276, C replaced by G.
Protein change: p.Cys92Trp; replaces cysteine 92 with tryptophan.
Molecular consequence: missense variant.
Genome position (GRCh38, 1-based): chr20:10,672,812, G>C on the plus strand (C>G on the coding strand, the complement: JAG1 is on the minus strand). VCF-style: chr20-10672812-G-C. GRCh37 (hg19) VCF-style: chr20-10653460-G-C.
Other names: short protein forms C92W.
Identifiers: ClinVar variation 3573431 (VCV003573431.2).